The following is an entry in ClinVar:

NM_001367823.1(ARHGEF18):c.1502C>T (p.Thr501Met)

Gene: ARHGEF18 (Rho/Rac guanine nucleotide exchange factor 18; plus strand). Cytogenetic location: 19p13.2.
Variant type: single nucleotide variant.
Coding change: c.1502C>T on transcript NM_001367823.1 (MANE Select); coding-DNA position 1502, C replaced by T.
Protein change: p.Thr501Met; replaces threonine 501 with methionine.
Molecular consequence: missense variant.
Genome position (GRCh38, 1-based): chr19:7,444,345, C>T. VCF-style: chr19-7444345-C-T. GRCh37 (hg19) VCF-style: chr19-7509231-C-T.
Other names: c.776C>T, p.Thr259Met (NM_001130955.2); c.464C>T, p.Thr155Met (NM_001367824.1, NM_015318.4); short protein forms T155M, T501M, T259M.
Identifiers: ClinVar variation 837092 (VCV000837092.6), dbSNP rs368462398, ClinGen allele CA9136487.

ClinVar aggregate classification (germline): Uncertain significance. Review status: criteria provided, multiple submitters, no conflicts (2 of 4 stars). 2 submissions from 2 submitters: Uncertain significance (2). Last evaluated 2024-11-06.

Allele frequency attached by ClinVar (database versions not stated): gnomAD exomes 0.00005 and 0.00008; TOPMed 0.00005; gnomAD 0.00006; ExAC 0.00008; ESP Exome Variant Server 0.00008; 1000 Genomes Project 30x 0.00016; 1000 Genomes Project 0.00020.
gnomAD v4.1: 130 of 1,613,632 alleles (0.0081%); highest among the groups gnomAD compares: Non-Finnish European, 0.0098%; no homozygotes.

Submissions (2):

Blueprint Genetics
Classification: Uncertain significance. Last evaluated: 2024-11-06. Review status: criteria provided, single submitter. Criteria: ACMG Guidelines, 2015. Collection method: clinical testing. Allele origin: germline.

Labcorp Genetics (formerly Invitae), Labcorp
Classification: Uncertain significance. Last evaluated: 2021-12-03. Review status: criteria provided, single submitter. Criteria: Invitae Variant Classification Sherloc (09022015). Collection method: clinical testing. Allele origin: germline.
Comment: This sequence change replaces threonine, which is neutral and polar, with methionine, which is neutral and non-polar, at codon 313 of the ARHGEF18 protein (p.Thr313Met). This variant is present in population databases (rs368462398, gnomAD 0.01%). This variant has not been reported in the literature in individuals affected with ARHGEF18-related conditions. ClinVar contains an entry for this variant (Variation ID: 837092). Algorithms developed to predict the effect of missense changes on protein structure and function output the following: SIFT: "Tolerated"; PolyPhen-2: "Benign"; Align-GVGD: "Class C0". The methionine amino acid residue is found in multiple mammalian species, which suggests that this missense change does not adversely affect protein function. In summary, the available evidence is currently insufficient to determine the role of this variant in disease. Therefore, it has been classified as a Variant of Uncertain Significance.